The following is an entry in ClinVar:

ClinVar aggregate classification (germline): Uncertain significance (1 of 4 stars; one submission).

Conditions:
PLXNA1-related disorder. Also called: PLXNA1-related condition.

Submission:

PreventionGenetics, part of Exact Sciences
Classification: Uncertain significance for PLXNA1-related condition. Last evaluated: 2026-06-23. Review status: criteria provided, single submitter. Criteria: ACMG Guidelines, 2015. Collection method: clinical testing. Allele origin: germline.
Comment: The PLXNA1 c.134C>A variant is predicted to result in premature protein termination (p.Ser45*). To our knowledge, this variant has not been reported in the literature or in a large population database (gnomAD), indicating this variant is rare. At this time, the clinical significance of this variant is uncertain due to the absence of conclusive functional and genetic evidence.

NM_032242.4(PLXNA1):c.134C>A (p.Ser45Ter)

Gene: PLXNA1 (plexin A1; plus strand). Cytogenetic location: 3q21.3.
Variant type: single nucleotide variant.
Coding change: c.134C>A on transcript NM_032242.4 (MANE Select); coding-DNA position 134, C replaced by A.
Protein change: p.Ser45Ter; replaces serine 45 with a stop codon.
Molecular consequence: nonsense.
Genome position (GRCh38, 1-based): chr3:126,988,727, C>A. VCF-style: chr3-126988727-C-A. GRCh37 (hg19) VCF-style: chr3-126707570-C-A.
Other names: short protein forms S45*.
Identifiers: ClinVar variation 4991639 (VCV004991639.1).